The following is an entry in ClinVar:

NM_001122955.4(BSCL2):c.466A>G (p.Thr156Ala)

Genes: BSCL2 (BSCL2 lipid droplet biogenesis associated, seipin; minus strand), HNRNPUL2-BSCL2 (HNRNPUL2-BSCL2 readthrough (NMD candidate); minus strand). Cytogenetic location: 11q12.3.
Variant type: single nucleotide variant.
Coding change: c.466A>G on transcript NM_001122955.4 (MANE Select); coding-DNA position 466, A replaced by G.
Protein change: p.Thr156Ala; replaces threonine 156 with alanine.
Molecular consequence: missense variant. On other transcripts: non-coding transcript variant (1).
Genome position (GRCh38, 1-based): chr11:62,702,488, T>C on the plus strand (A>G on the coding strand, the complement: BSCL2 is on the minus strand). VCF-style: chr11-62702488-T-C. GRCh37 (hg19) VCF-style: chr11-62469960-T-C.
Other names: c.274A>G, p.Thr92Ala (NM_001130702.2, NM_032667.6); c.466A>G, p.Thr156Ala (NM_001386027.1, NM_001386028.1); short protein forms T156A, T92A.
Identifiers: ClinVar variation 955662 (VCV000955662.49), dbSNP rs137930278, ClinGen allele CA6053567.

ClinVar aggregate classification (germline): Conflicting classifications of pathogenicity. Review status: criteria provided, conflicting classifications (1 of 4 stars). 4 submissions from 4 submitters: Uncertain significance (3); Likely benign (1). Last evaluated 2025-03-24.

Conditions:
Hereditary spastic paraplegia 17. Also called: Silver spastic paraplegia syndrome; SPASTIC PARAPLEGIA WITH AMYOTROPHY OF HANDS AND FEET; Spastic Paraplegia 17; Autosomal dominant spastic paraplegia type 17; Silver Syndrome. Identifiers: Orphanet 100998, MedGen C2931276, MONDO:0010043, OMIM 270685.
Congenital generalized lipodystrophy type 2 (CGL2). Also called: Berardinelli-Seip Congenital Lipodystrophy Type 2; BERARDINELLI SYNDROME; BRUNZELL SYNDROME, BSCL2-RELATED; SEIP SYNDROME. Identifiers: Orphanet 528, Orphanet 696289, MedGen C1720863, MONDO:0010020, OMIM 269700.
Severe neurodegenerative syndrome with lipodystrophy. Also called: ENCEPHALOPATHY, PROGRESSIVE, WITH LIPODYSTROPHY; Encephalopathy, progressive, with or without lipodystrophy. Identifiers: Orphanet 363400, MedGen C4014700, MONDO:0014402, OMIM 615924.
Neuronopathy, distal hereditary motor, type 5C. Also called: NEURONOPATHY, DISTAL HEREDITARY MOTOR, AUTOSOMAL DOMINANT 13; DHMN VC; NEURONOPATHY, DISTAL HEREDITARY MOTOR, HARDING TYPE VC; NEUROPATHY, DISTAL HEREDITARY MOTOR, HARDING TYPE VC; SPINAL MUSCULAR ATROPHY, DISTAL, HARDING TYPE VC. Identifiers: MedGen C5436838, MONDO:0030860, OMIM 619112.
Charcot-Marie-Tooth disease type 2. Also called: Charcot-Marie-Tooth type 2. Identifiers: Orphanet 64746, MedGen C0270914, MONDO:0018993.
Inborn genetic diseases. Identifiers: MedGen C0950123, MeSH D030342.

Allele frequency attached by ClinVar (database versions not stated): gnomAD 0.00001; TOPMed 0.00002; ExAC 0.00003; gnomAD exomes 0.00003 and 0.00004; ESP Exome Variant Server 0.00008.
gnomAD v4.1: 44 of 1,612,874 alleles (0.0027%); highest among the groups gnomAD compares: Non-Finnish European, 0.0037%; no homozygotes.

Submissions (4):

Labcorp Genetics (formerly Invitae), Labcorp
Classification: Uncertain significance for Charcot-Marie-Tooth disease type 2. Last evaluated: 2025-03-24. Review status: criteria provided, single submitter. Criteria: Invitae Variant Classification Sherloc (09022015). Collection method: clinical testing. Allele origin: germline.
Comment: This sequence change replaces threonine, which is neutral and polar, with alanine, which is neutral and non-polar, at codon 92 of the BSCL2 protein (p.Thr92Ala). This variant is present in population databases (rs137930278, gnomAD 0.008%). This variant has not been reported in the literature in individuals affected with BSCL2-related conditions. ClinVar contains an entry for this variant (Variation ID: 955662). Invitae Evidence Modeling of protein sequence and biophysical properties (such as structural, functional, and spatial information, amino acid conservation, physicochemical variation, residue mobility, and thermodynamic stability) indicates that this missense variant is not expected to disrupt BSCL2 protein function with a negative predictive value of 80%. In summary, the available evidence is currently insufficient to determine the role of this variant in disease. Therefore, it has been classified as a Variant of Uncertain Significance.

Fulgent Genetics
Classification: Uncertain significance for Congenital generalized lipodystrophy type 2; Hereditary spastic paraplegia 17; Severe neurodegenerative syndrome with lipodystrophy; Neuronopathy, distal hereditary motor, type 5C. Last evaluated: 2024-05-04. Review status: criteria provided, single submitter. Criteria: ACMG Guidelines, 2015. Collection method: clinical testing. Allele origin: germline.

Ambry Genetics
Classification: Likely benign for Inborn genetic diseases. Last evaluated: 2021-03-31. Review status: criteria provided, single submitter. Criteria: Ambry Variant Classification Scheme 2023. Collection method: clinical testing. Allele origin: germline.

CeGaT Center for Human Genetics Tuebingen
Classification: Uncertain significance. Last evaluated: 2021-01-01. Review status: criteria provided, single submitter. Criteria: CeGaT Center For Human Genetics Tuebingen Variant Classification Criteria Version 2. Collection method: clinical testing. Allele origin: germline. Affected: yes. Observed: 2 variant alleles.